The following is an entry in ClinVar:

NM_000548.5(TSC2):c.3663_3664del (p.Asp1222fs)

Gene: TSC2 (TSC complex subunit 2; plus strand). Cytogenetic location: 16p13.3.
Variant type: Deletion.
Coding change: c.3663_3664del on transcript NM_000548.5 (MANE Select); coding-DNA positions 3663 to 3664, 2 bases deleted (GG; older notation c.3663_3664delGG).
Protein change: p.Asp1222fs; shifts the reading frame from aspartic acid 1222.
Molecular consequence: frameshift variant.
Genome position (GRCh38, 1-based): chr16:2,081,647-2,081,648, GG deleted. VCF-style (leftmost placement, unchanged base first): chr16-2081646-CGG-C. GRCh37 (hg19) VCF-style: chr16-2131647-CGG-C.
Other names: c.3531_3532del, p.Asp1178fs (NM_001077183.3, NM_001370404.1); c.3663_3664del, p.Asp1222fs (NM_001114382.3); c.3423_3424del, p.Asp1142fs (NM_001318827.2); c.3387_3388del, p.Asp1130fs (NM_001318829.2); c.2931_2932del, p.Asp978fs (NM_001318831.2); c.3564_3565del, p.Asp1189fs (NM_001318832.2); c.3534_3535del, p.Asp1179fs (NM_001363528.2, NM_001370405.1, NM_021055.3); short protein forms D1178fs, D1222fs, D978fs, D1130fs, D1189fs, D1142fs, D1179fs.
Identifiers: ClinVar variation 49534 (VCV000049534.4), dbSNP rs137854393, ClinGen allele CA019450.

ClinVar aggregate classification (germline): Pathogenic. Review status: criteria provided, single submitter (1 of 4 stars). 2 submissions from 2 submitters: Pathogenic (1). 1 of the submissions does not count toward it. Last evaluated 2017-07-21.

Conditions:
Hereditary cancer-predisposing syndrome. Also called: Neoplastic Syndromes, Hereditary; Tumor predisposition; Hereditary Cancer Syndrome; Hereditary neoplastic syndrome. Identifiers: Orphanet 140162, MedGen C0027672, MeSH D009386, MONDO:0015356.
Tuberous sclerosis syndrome (TSC). Also called: Tuberous Sclerosis Complex; Tuberous sclerosis. Identifiers: Orphanet 805, MedGen C0041341, MONDO:0001734.

Submissions (2):

Ambry Genetics
Classification: Pathogenic for Hereditary cancer-predisposing syndrome. Last evaluated: 2017-07-21. Review status: criteria provided, single submitter. Criteria: Ambry Variant Classification Scheme 2023. Collection method: clinical testing. Allele origin: germline.
Comment: The c.3663_3664delGG pathogenic mutation, located in coding exon 30 of the TSC2 gene, results from a deletion of two nucleotides at nucleotide positions 3663 to 3664, causing a translational frameshift with a predicted alternate stop codon (p.D1222Hfs*11). This mutation was reported in an individual with a clinical diagnosis of tuberous sclerosis who did not have a known family history of tuberous sclerosis (Au KS et al. Genet. Med., 2007 Feb;9:88-100). In addition to the clinical data presented in the literature, this alteration is expected to result in loss of function by premature protein truncation or nonsense-mediated mRNA decay. As such, this alteration is interpreted as a disease-causing mutation.

Tuberous sclerosis database (TSC2)
No classification provided. Condition: TSC. Review status: no classification provided. Criteria: Tuberous Sclerosis Database Assertion Criteria 2015. Collection method: curation. Allele origin: germline. Affected: yes. Not counted in ClinVar's aggregate classification.

Literature cited by the submitters: PubMed 17304050 (cited by Ambry Genetics).